The following is an entry in ClinVar:

NM_153704.6(TMEM67):c.2085C>A (p.Val695=)

Gene: TMEM67 (transmembrane protein 67; plus strand). Cytogenetic location: 8q22.1.
Variant type: single nucleotide variant.
Coding change: c.2085C>A on transcript NM_153704.6 (MANE Select); coding-DNA position 2085, C replaced by A.
Protein change: p.Val695=; no amino-acid change (valine 695 retained).
Molecular consequence: synonymous variant. On other transcripts: non-coding transcript variant (1).
Genome position (GRCh38, 1-based): chr8:93,797,455, C>A. VCF-style: chr8-93797455-C-A. GRCh37 (hg19) VCF-style: chr8-94809683-C-A.
Other names: c.1842C>A, p.Val614= (NM_001142301.1).
Identifiers: ClinVar variation 4793937 (VCV004793937.2).

ClinVar aggregate classification (germline): Likely benign. Review status: criteria provided, multiple submitters, no conflicts (2 of 4 stars). 2 submissions from 2 submitters: Likely benign (2). Last evaluated 2025-12-29.

Conditions:
TMEM67-related disorder. Also called: TMEM67-related condition; TMEM67-related disorders. Identifiers: MedGen CN239423.
Joubert syndrome. Also called: Familial aplasia of the vermis; JOUBERT-BOLTSHAUSER SYNDROME. Identifiers: Orphanet 475, MedGen C5979921, MONDO:0018772.
Meckel-Gruber syndrome. Also called: Dysencephalia splachnocystica; DYSENCEPHALIA SPLANCHNOCYSTICA; GRUBER SYNDROME. Identifiers: Orphanet 564, MedGen C0265215, MONDO:0018921.

gnomAD v4.1: 1 of 1,613,690 alleles (0.000062%); highest among the groups gnomAD compares: Admixed American, 0.0017%; no homozygotes.

Submissions (2):

PreventionGenetics, part of Exact Sciences
Classification: Likely benign for TMEM67-related condition. Last evaluated: 2025-12-29. Review status: criteria provided, single submitter. Criteria: ACMG Guidelines, 2015. Collection method: clinical testing. Allele origin: germline.
Comment: This variant is classified as likely benign based on ACMG/AMP sequence variant interpretation guidelines (Richards et al. 2015 PMID: 25741868, with internal and published modifications).

Labcorp Genetics (formerly Invitae), Labcorp
Classification: Likely benign for Joubert syndrome; Meckel-Gruber syndrome. Last evaluated: 2025-10-07. Review status: criteria provided, single submitter. Criteria: Invitae Variant Classification Sherloc (09022015). Collection method: clinical testing. Allele origin: germline.